The following is an entry in ClinVar:

ClinVar aggregate classification (germline): Uncertain significance (1 of 4 stars; one submission).

Conditions:
Cardiovascular phenotype. Identifiers: MedGen CN230736.

Submission:

Ambry Genetics
Classification: Uncertain significance for Cardiovascular phenotype. Last evaluated: 2021-11-22. Review status: criteria provided, single submitter. Criteria: Ambry Variant Classification Scheme 2023. Collection method: clinical testing. Allele origin: germline.
Comment: The p.A7V variant (also known as c.20C>T), located in coding exon 1 of the APOB gene, results from a C to T substitution at nucleotide position 20. The alanine at codon 7 is replaced by valine, an amino acid with similar properties. This amino acid position is conserved. In addition, this alteration is predicted to be tolerated by in silico analysis. Since supporting evidence is limited at this time, the clinical significance of this alteration remains unclear.

NM_000384.3(APOB):c.20C>T (p.Ala7Val)

Genes: APOB (apolipoprotein B; minus strand), LOC106560211 (APOB 5' regulatory region; plus strand). Cytogenetic location: 2p24.1.
Variant type: single nucleotide variant.
Coding change: c.20C>T on transcript NM_000384.3 (MANE Select); coding-DNA position 20, C replaced by T.
Protein change: p.Ala7Val; replaces alanine 7 with valine.
Molecular consequence: missense variant.
Genome position (GRCh38, 1-based): chr2:21,043,926, G>A on the plus strand (C>T on the coding strand, the complement: APOB is on the minus strand). VCF-style: chr2-21043926-G-A. GRCh37 (hg19) VCF-style: chr2-21266798-G-A.
Other names: short protein forms A7V.
Identifiers: ClinVar variation 1785880 (VCV001785880.2), dbSNP rs1420256121, ClinGen allele CA345966360.